The following is an entry in ClinVar:

ClinVar aggregate classification (germline): Uncertain significance (1 of 4 stars; one submission).

Allele frequency attached by ClinVar (database versions not stated): gnomAD exomes below 0.00001.
gnomAD v4.1: 2 of 1,612,088 alleles (0.00012%); highest among the groups gnomAD compares: Non-Finnish European, 0.000085%; no homozygotes.

Submission:

Labcorp Genetics (formerly Invitae), Labcorp
Classification: Uncertain significance. Last evaluated: 2024-02-19. Review status: criteria provided, single submitter. Criteria: Invitae Variant Classification Sherloc (09022015). Collection method: clinical testing. Allele origin: germline.
Comment: This sequence change replaces asparagine, which is neutral and polar, with histidine, which is basic and polar, at codon 114 of the IL6ST protein (p.Asn114His). This variant is not present in population databases (gnomAD no frequency). This variant has not been reported in the literature in individuals affected with IL6ST-related conditions. An algorithm developed to predict the effect of missense changes on protein structure and function (PolyPhen-2) suggests that this variant is likely to be disruptive. In summary, the available evidence is currently insufficient to determine the role of this variant in disease. Therefore, it has been classified as a Variant of Uncertain Significance.

NM_002184.4(IL6ST):c.340A>C (p.Asn114His)

Gene: IL6ST (interleukin 6 cytokine family signal transducer; minus strand). Cytogenetic location: 5q11.2.
Variant type: single nucleotide variant.
Coding change: c.340A>C on transcript NM_002184.4 (MANE Select); coding-DNA position 340, A replaced by C.
Protein change: p.Asn114His; replaces asparagine 114 with histidine.
Molecular consequence: missense variant. On other transcripts: 5 prime UTR variant (3), non-coding transcript variant (2), intron variant (1).
Genome position (GRCh38, 1-based): chr5:55,969,580, T>G on the plus strand (A>C on the coding strand, the complement: IL6ST is on the minus strand). VCF-style: chr5-55969580-T-G. GRCh37 (hg19) VCF-style: chr5-55265408-T-G.
Other names: c.340A>C, p.Asn114His (NM_001190981.2, NM_001364275.2, NM_175767.3); c.-453A>C (NM_001364277.2, NM_001364279.2); c.-443A>C (NM_001364278.2); c.160+180A>C (NM_001364276.2); short protein forms N114H.
Identifiers: ClinVar variation 2846340 (VCV002846340.3), dbSNP rs1752837634, ClinGen allele CA359769930.